The following is an entry in ClinVar:

ClinVar aggregate classification (germline): Uncertain significance. Review status: criteria provided, multiple submitters, no conflicts (2 of 4 stars). 2 submissions from 2 submitters: Uncertain significance (2). Last evaluated 2025-08-06.

Conditions:
PHGDH deficiency. Identifiers: Orphanet 79351, MedGen C1866174, MONDO:0011152, OMIM 601815.

Allele frequency attached by ClinVar (database versions not stated): TOPMed 0.00001.
gnomAD v4.1: 29 of 1,613,768 alleles (0.0018%); highest among the groups gnomAD compares: Admixed American, 0.0033%; no homozygotes.

Submissions (2):

GeneDx
Classification: Uncertain significance. Last evaluated: 2025-08-06. Review status: criteria provided, single submitter. Criteria: GeneDx Variant Classification Process June 2021. Collection method: clinical testing. Allele origin: germline. Affected: yes.
Comment: Not observed at significant frequency in large population cohorts (gnomAD); In silico analysis suggests that this variant does not alter splicing; Has not been previously published as pathogenic or benign to our knowledge

Illumina Laboratory Services, Illumina
Classification: Uncertain significance for PHGDH deficiency. Last evaluated: 2018-01-13. Review status: criteria provided, single submitter. Criteria: ICSL Variant Classification Criteria 13 December 2019. Collection method: clinical testing. Allele origin: germline.

NM_006623.4(PHGDH):c.138G>A (p.Gln46=)

Gene: PHGDH (phosphoglycerate dehydrogenase; plus strand). Cytogenetic location: 1p12.
Variant type: single nucleotide variant.
Coding change: c.138G>A on transcript NM_006623.4 (MANE Select); coding-DNA position 138, G replaced by A.
Protein change: p.Gln46=; no amino-acid change (glutamine 46 retained).
Molecular consequence: synonymous variant.
Genome position (GRCh38, 1-based): chr1:119,712,160, G>A. VCF-style: chr1-119712160-G-A. GRCh37 (hg19) VCF-style: chr1-120254783-G-A.
Identifiers: ClinVar variation 292303 (VCV000292303.6), dbSNP rs143217390, ClinGen allele CA1036921.